The following is an entry in ClinVar:

NM_176869.3(PPA2):c.42C>T (p.Ala14=)

Gene: PPA2 (inorganic pyrophosphatase 2; minus strand). Cytogenetic location: 4q24.
Variant type: single nucleotide variant.
Coding change: c.42C>T on transcript NM_176869.3 (MANE Select); coding-DNA position 42, C replaced by T.
Protein change: p.Ala14=; no amino-acid change (alanine 14 retained).
Molecular consequence: synonymous variant.
Genome position (GRCh38, 1-based): chr4:105,474,009, G>A on the plus strand (C>T on the coding strand, the complement: PPA2 is on the minus strand). VCF-style: chr4-105474009-G-A. GRCh37 (hg19) VCF-style: chr4-106395166-G-A.
Other names: c.42C>T, p.Ala14= (NM_006903.4, NM_176866.2, NM_176867.3).
Identifiers: ClinVar variation 4822408 (VCV004822408.4).

ClinVar aggregate classification (germline): Likely benign (1 of 4 stars; one submission).

Submission:

CeGaT Center for Human Genetics Tuebingen
Classification: Likely benign. Last evaluated: 2026-01-01. Review status: criteria provided, single submitter. Criteria: CeGaT Center For Human Genetics Tuebingen Variant Classification Criteria Version 2. Collection method: clinical testing. Allele origin: germline. Affected: yes. Observed: 1 variant allele.
Comment: PPA2: BP4, BP7